The following is an entry in ClinVar:

NM_002454.3(MTRR):c.254del (p.Phe85fs)

Gene: MTRR (5-methyltetrahydrofolate-homocysteine methyltransferase reductase; plus strand). Cytogenetic location: 5p15.31.
Variant type: Deletion.
Coding change: c.254del on transcript NM_002454.3 (MANE Select); coding-DNA position 254, one base deleted (T; older notation c.254delT).
Protein change: p.Phe85fs; shifts the reading frame from phenylalanine 85.
Molecular consequence: frameshift variant. On other transcripts: non-coding transcript variant (8).
Genome position (GRCh38, 1-based): chr5:7,873,497, T deleted; the last of 3 consecutive T bases (chr5:7,873,495-7,873,497); deleting any one gives the same sequence. VCF-style (leftmost placement, unchanged base first): chr5-7873494-AT-A. GRCh37 (hg19) VCF-style: chr5-7873607-AT-A.
Other names: c.254del, p.Phe85fs (NM_001364440.2, NM_001364441.2, NM_001364442.2 and 1 more transcripts); short protein forms F85fs.
Identifiers: ClinVar variation 4057993 (VCV004057993.2).
Genomic context (GRCh38, chr5:7,873,494, plus strand): 5'-ACCCACCCGACACAGCCCGCAAGTTTGTTAAGGAAATACAGAACCAAACACTGCCGGTTG[AT>A]TTCTTTGCTCACCTGCGGTATGGGTTACTGGGTAATGGACTCTCTCTTCTGATCTTACTA-3'

ClinVar aggregate classification (germline): Likely pathogenic (1 of 4 stars; one submission).

Conditions:
Methylcobalamin deficiency type cblE (HMAE). Also called: HOMOCYSTINURIA-MEGALOBLASTIC ANEMIA, cblE COMPLEMENTATION TYPE; VITAMIN B12-RESPONSIVE HOMOCYSTINURIA, cblE TYPE; HOMOCYSTINURIA-MEGALOBLASTIC ANEMIA, cblE TYPE. Identifiers: Orphanet 2169, Orphanet 622, MedGen C1856057, MONDO:0009354, OMIM 236270.

Submission:

Natera, Inc.
Classification: Likely pathogenic for CblE complementation type homocystinuria-megaloblastic anemia due to defect in cobalamin metabolism. Last evaluated: 2025-03-12. Review status: criteria provided, single submitter. Criteria: Natera Variant Classification Schema (03/2026). Collection method: clinical testing. Allele origin: germline.
Comment: The c.254del variant in MTRR is a frameshift variant predicted to shift the reading frame beginning at codon 85 and leads to a stop codon 26 codons downstream. This variant is expected to result in nonsense mediated decay, truncation, or a dysfunctional protein product. This variant is rare in the general population with a frequency below the threshold expected for the associated phenotype(s). Given the available evidence, this variant is classified as Likely Pathogenic.